The following is an entry in ClinVar:

NM_005802.5(TOPORS):c.3088C>T (p.Arg1030Trp)

Gene: TOPORS (TOP1 binding arginine/serine rich protein, E3 ubiquitin ligase; minus strand). Cytogenetic location: 9p21.1.
Variant type: single nucleotide variant.
Coding change: c.3088C>T on transcript NM_005802.5 (MANE Select); coding-DNA position 3088, C replaced by T.
Protein change: p.Arg1030Trp; replaces arginine 1030 with tryptophan.
Molecular consequence: missense variant.
Genome position (GRCh38, 1-based): chr9:32,541,437, G>A on the plus strand (C>T on the coding strand, the complement: TOPORS is on the minus strand). VCF-style: chr9-32541437-G-A. GRCh37 (hg19) VCF-style: chr9-32541435-G-A.
Other names: c.2893C>T, p.Arg965Trp (NM_001195622.2); short protein forms R1030W, R965W.
Identifiers: ClinVar variation 1499193 (VCV001499193.6), dbSNP rs747412319, ClinGen allele CA5020260.

ClinVar aggregate classification (germline): Uncertain significance (1 of 4 stars; one submission).

Allele frequency attached by ClinVar (database versions not stated): ExAC 0.00001; gnomAD 0.00001; TOPMed 0.00002.
gnomAD v4.1: 5 of 1,614,018 alleles (0.00031%); highest among the groups gnomAD compares: Admixed American, 0.0017%; no homozygotes.

Submission:

Labcorp Genetics (formerly Invitae), Labcorp
Classification: Uncertain significance. Last evaluated: 2023-01-02. Review status: criteria provided, single submitter. Criteria: Invitae Variant Classification Sherloc (09022015). Collection method: clinical testing. Allele origin: germline.
Comment: In summary, the available evidence is currently insufficient to determine the role of this variant in disease. Therefore, it has been classified as a Variant of Uncertain Significance. Algorithms developed to predict the effect of missense changes on protein structure and function are either unavailable or do not agree on the potential impact of this missense change (SIFT: "Deleterious"; PolyPhen-2: "Not Available"; Align-GVGD: "Class C0"). ClinVar contains an entry for this variant (Variation ID: 1499193). This variant has not been reported in the literature in individuals affected with TOPORS-related conditions. This variant is present in population databases (rs747412319, gnomAD 0.01%). This sequence change replaces arginine, which is basic and polar, with tryptophan, which is neutral and slightly polar, at codon 1030 of the TOPORS protein (p.Arg1030Trp).